The following is an entry in ClinVar:

ClinVar aggregate classification (germline): Uncertain significance (1 of 4 stars; one submission).

Conditions:
Cardiovascular phenotype. Identifiers: MedGen CN230736.
Hereditary cancer-predisposing syndrome. Also called: Neoplastic Syndromes, Hereditary; Tumor predisposition; Hereditary Cancer Syndrome; Hereditary neoplastic syndrome. Identifiers: Orphanet 140162, MedGen C0027672, MeSH D009386, MONDO:0015356.

Submission:

Ambry Genetics
Classification: Uncertain significance for Cardiovascular phenotype; Hereditary cancer-predisposing syndrome. Last evaluated: 2025-10-17. Review status: criteria provided, single submitter. Criteria: Ambry Variant Classification Scheme 2023. Collection method: clinical testing. Allele origin: germline.
Comment: The p.F442S variant (also known as c.1325T>C), located in coding exon 12 of the LZTR1 gene, results from a T to C substitution at nucleotide position 1325. The phenylalanine at codon 442 is replaced by serine, an amino acid with highly dissimilar properties. This amino acid position is conserved. In addition, this alteration is predicted to be deleterious by in silico analysis. Based on the available evidence, the clinical significance of this variant remains unclear.

NM_006767.4(LZTR1):c.1325T>C (p.Phe442Ser)

Gene: LZTR1 (leucine zipper like post translational regulator 1; plus strand). Cytogenetic location: 22q11.21.
Variant type: single nucleotide variant.
Coding change: c.1325T>C on transcript NM_006767.4 (MANE Select); coding-DNA position 1325, T replaced by C.
Protein change: p.Phe442Ser; replaces phenylalanine 442 with serine.
Molecular consequence: missense variant.
Genome position (GRCh38, 1-based): chr22:20,993,726, T>C. VCF-style: chr22-20993726-T-C. GRCh37 (hg19) VCF-style: chr22-21348015-T-C.
Other names: short protein forms F442S.
Identifiers: ClinVar variation 4615634 (VCV004615634.1).